The following is an entry in ClinVar:

ClinVar aggregate classification (germline): Uncertain significance. Review status: criteria provided, multiple submitters, no conflicts (2 of 4 stars). 2 submissions from 2 submitters: Uncertain significance (2). Last evaluated 2019-04-16.

Conditions:
Cardiovascular phenotype. Identifiers: MedGen CN230736.
Cardiomyopathy (CMYO). Also called: Cardiomyopathies. Identifiers: Orphanet 167848, MedGen C0878544, MONDO:0004994, HP:0001638. Inheritance: Various modes of inheritance.

Allele frequency attached by ClinVar (database versions not stated): TOPMed 0.00001.
gnomAD v4.1: 43 of 1,613,182 alleles (0.0027%); highest among the groups gnomAD compares: Non-Finnish European, 0.0036%; no homozygotes.

Submissions (2):

Ambry Genetics
Classification: Uncertain significance for Cardiovascular phenotype. Last evaluated: 2019-04-16. Review status: criteria provided, single submitter. Criteria: Ambry Autosomal Dominant and X-Linked criteria (3/2017). Collection method: clinical testing. Allele origin: germline. Observed: 1 variant allele.
Comment: The p.D29958E variant (also known as c.89874C>G), located in coding exon 298 of the TTN gene, results from a C to G substitution at nucleotide position 89874. The aspartic acid at codon 29958 is replaced by glutamic acid, an amino acid with highly similar properties. This amino acid position is well conserved in available vertebrate species. In addition, this alteration is predicted to be possibly damaging and unknown by PolyPhen and SIFT in silico analyses, respectively. Since supporting evidence is limited at this time, the clinical significance of this alteration remains unclear.

CHEO Genetics Diagnostic Laboratory, Children's Hospital of Eastern Ontario
Classification: Uncertain significance for Cardiomyopathy. Last evaluated: 2017-11-30. Review status: criteria provided, single submitter. Criteria: ACMG Guidelines, 2015. Collection method: clinical testing. Allele origin: germline.

NM_001267550.2(TTN):c.97578C>G (p.Asp32526Glu)

Genes: TTN-AS1 (TTN antisense RNA 1; plus strand), TTN (titin; minus strand). Cytogenetic location: 2q31.2.
Variant type: single nucleotide variant.
Coding change: c.97578C>G on transcript NM_001267550.2 (MANE Select); coding-DNA position 97578, C replaced by G.
Protein change: p.Asp32526Glu; replaces aspartic acid 32526 with glutamic acid.
Molecular consequence: missense variant.
Genome position (GRCh38, 1-based): chr2:178,541,499, G>C on the plus strand (C>G on the coding strand, the complement: TTN is on the minus strand). VCF-style: chr2-178541499-G-C. GRCh37 (hg19) VCF-style: chr2-179406226-G-C.
Other names: c.92655C>G, p.Asp30885Glu (NM_001256850.1); c.70383C>G, p.Asp23461Glu (NM_003319.4); c.89874C>G, p.Asp29958Glu (NM_133378.4); c.70758C>G, p.Asp23586Glu (NM_133432.3); c.70959C>G, p.Asp23653Glu (NM_133437.4); short protein forms D29958E, D32526E, D23586E, D30885E, D23653E, D23461E.
Identifiers: ClinVar variation 263486 (VCV000263486.6), dbSNP rs142907833, ClinGen allele CA10587449.